The following is an entry in ClinVar:

ClinVar aggregate classification (germline): Uncertain significance (1 of 4 stars; one submission).

Submission:

Women's Health and Genetics/Laboratory Corporation of America, LabCorp
Classification: Uncertain significance. Last evaluated: 2024-07-02. Review status: criteria provided, single submitter. Criteria: LabCorp Variant Classification Summary - May 2015. Collection method: clinical testing. Allele origin: germline.
Comment: Variant summary: SPG7 c.446C>T (p.Ala149Val) results in a non-conservative amino acid change located in the Peptidase M41, FtsH extracellular domain (IPR011546) of the encoded protein sequence. Three of five in-silico tools predict a benign effect of the variant on protein function. The variant allele was found at a frequency of 8e-06 in 251260 control chromosomes. The available data on variant occurrences in the general population are insufficient to allow any conclusion about variant significance. To our knowledge, no occurrence of c.446C>T in individuals affected with Hereditary Spastic Paraplegia 7 and no experimental evidence demonstrating its impact on protein function have been reported. No submitters have cited clinical-significance assessments for this variant to ClinVar. Based on the evidence outlined above, the variant was classified as uncertain significance.

NM_003119.4(SPG7):c.446C>T (p.Ala149Val)

Gene: SPG7 (SPG7 matrix AAA peptidase subunit, paraplegin; plus strand). Cytogenetic location: 16q24.3.
Variant type: single nucleotide variant.
Coding change: c.446C>T on transcript NM_003119.4 (MANE Select); coding-DNA position 446, C replaced by T.
Protein change: p.Ala149Val; replaces alanine 149 with valine.
Molecular consequence: missense variant.
Genome position (GRCh38, 1-based): chr16:89,524,075, C>T. VCF-style: chr16-89524075-C-T. GRCh37 (hg19) VCF-style: chr16-89590483-C-T.
Other names: c.446C>T, p.Ala149Val (NM_001363850.1, NM_199367.3); short protein forms A149V.
Identifiers: ClinVar variation 3339196 (VCV003339196.1).